The following is an entry in ClinVar:

NM_000062.3(SERPING1):c.856C>T (p.Arg286Cys)

Gene: SERPING1 (serpin family G member 1; plus strand). Cytogenetic location: 11q12.1.
Variant type: single nucleotide variant.
Coding change: c.856C>T on transcript NM_000062.3 (MANE Select); coding-DNA position 856, C replaced by T.
Protein change: p.Arg286Cys; replaces arginine 286 with cysteine.
Molecular consequence: missense variant.
Genome position (GRCh38, 1-based): chr11:57,606,180, C>T. VCF-style: chr11-57606180-C-T. GRCh37 (hg19) VCF-style: chr11-57373653-C-T.
Other names: c.856C>T, p.Arg286Cys (NM_001032295.2); short protein forms R286C.
Identifiers: ClinVar variation 3674205 (VCV003674205.2).
Genomic context (GRCh38, chr11:57,606,180, plus strand): 5'-GTGGCCAAGAACACCAACAACAAGATCAGCCGGCTGCTAGACAGTCTGCCCTCCGATACC[C>T]GCCTTGTCCTCCTCAATGCTATCTACCTGAGTGGTAAGGGTGCCCTTAGCCAGTTAGTCT-3'
Protein context (NP_000053.2, residues 276-296): RLLDSLPSDT[Arg286Cys]LVLLNAIYLS

ClinVar aggregate classification (germline): Uncertain significance (1 of 4 stars; one submission).

gnomAD v4.1: 11 of 1,614,074 alleles (0.00068%); highest among the groups gnomAD compares: South Asian, 0.0077%; no homozygotes.

Submission:

Labcorp Genetics (formerly Invitae), Labcorp
Classification: Uncertain significance. Last evaluated: 2024-10-24. Review status: criteria provided, single submitter. Criteria: Invitae Variant Classification Sherloc (09022015). Collection method: clinical testing. Allele origin: germline.
Comment: This sequence change replaces arginine, which is basic and polar, with cysteine, which is neutral and slightly polar, at codon 286 of the SERPING1 protein (p.Arg286Cys). This variant is present in population databases (no rsID available, gnomAD 0.006%). This missense change has been observed in individual(s) with angioedema (PMID: 19752569). An algorithm developed to predict the effect of missense changes on protein structure and function outputs the following: PolyPhen-2: "Benign". The cysteine amino acid residue is found in multiple mammalian species, which suggests that this missense change does not adversely affect protein function. In summary, the available evidence is currently insufficient to determine the role of this variant in disease. Therefore, it has been classified as a Variant of Uncertain Significance.

Literature cited by the submitters: PubMed 19752569.